The following is an entry in ClinVar:

ClinVar aggregate classification (germline): Pathogenic (1 of 4 stars; one submission).

gnomAD v4.1: 1 of 1,613,390 alleles (0.000062%); highest among the groups gnomAD compares: Non-Finnish European, 0.000085%; no homozygotes.

Submission:

Labcorp Genetics (formerly Invitae), Labcorp
Classification: Pathogenic. Last evaluated: 2023-03-14. Review status: criteria provided, single submitter. Criteria: Invitae Variant Classification Sherloc (09022015). Collection method: clinical testing. Allele origin: germline.
Comment: This variant is not present in population databases (gnomAD no frequency). This sequence change creates a premature translational stop signal (p.Ser6*) in the NBAS gene. It is expected to result in an absent or disrupted protein product. Loss-of-function variants in NBAS are known to be pathogenic (PMID: 26073778, 26541327, 27789416, 28031453). This premature translational stop signal has been observed in individual(s) with SOPH syndrome (PMID: 32297715). For these reasons, this variant has been classified as Pathogenic.

Literature cited by the submitters: PubMed 26073778; PubMed 26541327; PubMed 27789416; PubMed 28031453; PubMed 32297715.

NM_015909.4(NBAS):c.17C>G (p.Ser6Ter)

Genes: NBAS (NBAS subunit of NRZ tethering complex; minus strand), LOC129933155 (ATAC-STARR-seq lymphoblastoid active region 15346; plus strand). Cytogenetic location: 2p24.3.
Variant type: single nucleotide variant.
Coding change: c.17C>G on transcript NM_015909.4 (MANE Select); coding-DNA position 17, C replaced by G.
Protein change: p.Ser6Ter; replaces serine 6 with a stop codon.
Molecular consequence: nonsense. On other transcripts: non-coding transcript variant (1).
Genome position (GRCh38, 1-based): chr2:15,561,288, G>C on the plus strand (C>G on the coding strand, the complement: NBAS is on the minus strand). VCF-style: chr2-15561288-G-C. GRCh37 (hg19) VCF-style: chr2-15701412-G-C.
Other names: short protein forms S6*.
Identifiers: ClinVar variation 2813216 (VCV002813216.3), dbSNP rs202020492, ClinGen allele CA345895236.